The following is an entry in ClinVar:

NM_001278669.2(NFATC1):c.728G>A (p.Arg243His)

Gene: NFATC1 (nuclear factor of activated T cells 1; plus strand). Cytogenetic location: 18q23.
Variant type: single nucleotide variant.
Coding change: c.728G>A on transcript NM_001278669.2 (MANE Select); coding-DNA position 728, G replaced by A.
Protein change: p.Arg243His; replaces arginine 243 with histidine.
Molecular consequence: missense variant. On other transcripts: intron variant (2).
Genome position (GRCh38, 1-based): chr18:79,411,003, G>A. VCF-style: chr18-79411003-G-A. GRCh37 (hg19) VCF-style: chr18-77171003-G-A.
Other names: c.728G>A, p.Arg243His (NM_001278670.2, NM_172390.3, NM_006162.5); c.689G>A, p.Arg230His (NM_001278672.2, NM_001278675.2, NM_172389.3 and 1 more transcripts); c.-191+14652G>A (NM_172388.3); c.-191+10524G>A (NM_001278673.2); c.689G>A (NM_172387.1); short protein forms R230H, R243H.
Identifiers: ClinVar variation 3712864 (VCV003712864.3).

ClinVar aggregate classification (germline): Uncertain significance. Review status: criteria provided, multiple submitters, no conflicts (2 of 4 stars). 2 submissions from 2 submitters: Uncertain significance (2). Last evaluated 2025-10-18.

gnomAD v4.1: 36 of 1,609,894 alleles (0.0022%); highest among the groups gnomAD compares: African/African-American, 0.004%; no homozygotes.

Submissions (2):

Ambry Genetics
Classification: Uncertain significance. Last evaluated: 2025-10-18. Review status: criteria provided, single submitter. Criteria: Ambry Variant Classification Scheme 2023. Collection method: clinical testing. Allele origin: germline.

Labcorp Genetics (formerly Invitae), Labcorp
Classification: Uncertain significance. Last evaluated: 2024-09-25. Review status: criteria provided, single submitter. Criteria: Invitae Variant Classification Sherloc (09022015). Collection method: clinical testing. Allele origin: germline.
Comment: This sequence change replaces arginine, which is basic and polar, with histidine, which is basic and polar, at codon 243 of the NFATC1 protein (p.Arg243His). The frequency data for this variant in the population databases is considered unreliable, as metrics indicate poor data quality at this position in the gnomAD database. This variant has not been reported in the literature in individuals affected with NFATC1-related conditions. An algorithm developed to predict the effect of missense changes on protein structure and function (PolyPhen-2) suggests that this variant is likely to be disruptive. In summary, the available evidence is currently insufficient to determine the role of this variant in disease. Therefore, it has been classified as a Variant of Uncertain Significance.